The following is an entry in ClinVar:

ClinVar aggregate classification (germline): Uncertain significance (1 of 4 stars; one submission).

gnomAD v4.1: 8 of 1,612,728 alleles (0.0005%); highest among the groups gnomAD compares: East Asian, 0.0022%; no homozygotes.

Submission:

Labcorp Genetics (formerly Invitae), Labcorp
Classification: Uncertain significance. Last evaluated: 2024-07-10. Review status: criteria provided, single submitter. Criteria: Invitae Variant Classification Sherloc (09022015). Collection method: clinical testing. Allele origin: germline.
Comment: This sequence change replaces arginine, which is basic and polar, with histidine, which is basic and polar, at codon 756 of the AP3D1 protein (p.Arg756His). This variant is present in population databases (rs766937934, gnomAD 0.005%). This variant has not been reported in the literature in individuals affected with AP3D1-related conditions. An algorithm developed to predict the effect of missense changes on protein structure and function (PolyPhen-2) suggests that this variant is likely to be tolerated. In summary, the available evidence is currently insufficient to determine the role of this variant in disease. Therefore, it has been classified as a Variant of Uncertain Significance.

NM_001261826.3(AP3D1):c.2267G>A (p.Arg756His)

Gene: AP3D1 (adaptor related protein complex 3 subunit delta 1; minus strand). Cytogenetic location: 19p13.3.
Variant type: single nucleotide variant.
Coding change: c.2267G>A on transcript NM_001261826.3 (MANE Select); coding-DNA position 2267, G replaced by A.
Protein change: p.Arg756His; replaces arginine 756 with histidine.
Molecular consequence: missense variant.
Genome position (GRCh38, 1-based): chr19:2,115,301, C>T on the plus strand (G>A on the coding strand, the complement: AP3D1 is on the minus strand). VCF-style: chr19-2115301-C-T. GRCh37 (hg19) VCF-style: chr19-2115300-C-T.
Other names: c.2267G>A, p.Arg756His (NM_001374799.1, NM_003938.8); short protein forms R756H.
Identifiers: ClinVar variation 3716701 (VCV003716701.2).
Genomic context (GRCh38, chr19:2,115,301, plus strand): 5'-ATGTCCACCTGCTGGGCAGGGGCGATGTCCTCGTCGCTCTCCGTGGGCAGCGAGCTGTGG[C>T]GGCGCTTGCCCTTCTTCTCCTTCTCCTTCCTCTTTTTCCTCCTCTTGTCCTTCTCCAGCT-3'
Protein context (NP_001248755.1, residues 746-766): RKEKEKKGKR[Arg756His]HSSLPTESDE